The following is an entry in ClinVar:

ClinVar aggregate classification (germline): Pathogenic (1 of 4 stars; one submission).

Conditions:
Androgen resistance syndrome (AIS). Also called: Androgen insensitivity, complete; Androgen insensitivity syndrome due to coactivator deficiency; Androgen insensitivity syndrome; Androgen insensitivity; ANDROGEN RECEPTOR DEFICIENCY; DIHYDROTESTOSTERONE RECEPTOR DEFICIENCY. Identifiers: Orphanet 754, Orphanet 99429, MedGen C0039585, MONDO:0019154, OMIM 300068. Disease mechanism: loss of function.
Kennedy disease (SMAX1). Also called: Spinal and Bulbar Muscular Atrophy; SPINAL AND BULBAR MUSCULAR ATROPHY, X-LINKED 1; KENNEDY SPINAL AND BULBAR MUSCULAR ATROPHY. Identifiers: Orphanet 481, MedGen C1839259, MONDO:0010735, OMIM 313200.

Submission:

Labcorp Genetics (formerly Invitae), Labcorp
Classification: Pathogenic for Kennedy disease; Androgen resistance syndrome. Last evaluated: 2018-08-05. Review status: criteria provided, single submitter. Criteria: Invitae Variant Classification Sherloc (09022015). Collection method: clinical testing. Allele origin: germline.
Comment: Algorithms developed to predict the effect of sequence changes on RNA splicing suggest that this variant may create or strengthen a splice site, but this prediction has not been confirmed by published transcriptional studies. For these reasons, this variant has been classified as Pathogenic. Loss-of-function variants in AR are known to be pathogenic (PMID: 19463997). This variant has been observed in an individual affected with androgen insensitivity syndrome (PMID: 16283146). This variant is not present in population databases (ExAC no frequency). This sequence change creates a premature translational stop signal (p.Gln59*) in the AR gene. It is expected to result in an absent or disrupted protein product.

Literature cited by the submitters: PubMed 19463997; PubMed 16283146.

NM_000044.6(AR):c.174_175insTAG (p.Gln59Ter)

Genes: AR (androgen receptor; plus strand), LOC109504725 (androgen receptor repeat instability region; plus strand). Cytogenetic location: Xq12.
Variant type: Insertion.
Coding change: c.174_175insTAG on transcript NM_000044.6 (MANE Select); coding-DNA positions 174 to 175, TAG inserted.
Protein change: p.Gln59Ter; replaces glutamine 59 with a stop codon.
Molecular consequence: nonsense. On other transcripts: 5 prime UTR variant (1).
Genome position: GRCh38 VCF-style: chrX-67545318-C-CAGT. GRCh37 (hg19) VCF-style: chrX-66765160-C-CAGT.
Other names: c.-1610_-1609insTAG (NM_001011645.3); c.174_175insTAG, p.Gln59Ter (NM_001348061.1, NM_001348063.1, NM_001348064.1); short protein forms Q59*.
Identifiers: ClinVar variation 643319 (VCV000643319.8), dbSNP rs1602143232, ClinGen allele CA915951145.